The following is an entry in ClinVar:

NM_005360.5(MAF):c.295_312delinsTGCA (p.Gln99fs)

Gene: MAF (MAF bZIP transcription factor; minus strand). Cytogenetic location: 16q23.2.
Variant type: Indel.
Coding change: c.295_312delinsTGCA on transcript NM_005360.5 (MANE Select); coding-DNA positions 295 to 312, CAGCAGCTGAACCCCGAG replaced by TGCA.
Protein change: p.Gln99fs; shifts the reading frame from glutamine 99.
Molecular consequence: frameshift variant.
Genome position (GRCh38, 1-based): chr16:79,599,591-79,599,608, CTCGGGGTTCAGCTGCTG replaced by TGCA on the plus strand (CAGCAGCTGAACCCCGAG replaced by TGCA on the coding strand, the reverse complement: MAF is on the minus strand). VCF-style: chr16-79599591-CTCGGGGTTCAGCTGCTG-TGCA. GRCh37 (hg19) VCF-style: chr16-79633488-CTCGGGGTTCAGCTGCTG-TGCA.
Other names: c.295_312delinsTGCA, p.Gln99fs (NM_001031804.3); short protein forms Q99fs.
Identifiers: ClinVar variation 541764 (VCV000541764.7), dbSNP rs1555530022, ClinGen allele CA658798641.

ClinVar aggregate classification (germline): Pathogenic (1 of 4 stars; one submission).

Conditions:
Cataract 21 multiple types. Also called: Cataract, congenital, cerulean type, 4; CATARACT 21, MULTIPLE TYPES, WITH OR WITHOUT MICROCORNEA; CATARACT 21, CERULEAN, WITH OR WITHOUT MICROCORNEA; CATARACT 21, MULTIPLE TYPES, WITH MICROCORNEA. Identifiers: Orphanet 91492, MedGen C1857768, MONDO:0012437, OMIM 610202.
Ayme-Gripp syndrome. Also called: Aymé-Gripp Syndrome. Identifiers: MedGen C1832812, MONDO:0010992, OMIM 601088.

Submission:

Labcorp Genetics (formerly Invitae), Labcorp
Classification: Pathogenic for Cataract 21 multiple types; Ayme-Gripp syndrome. Last evaluated: 2019-07-26. Review status: criteria provided, single submitter. Criteria: Invitae Variant Classification Sherloc (09022015). Collection method: clinical testing. Allele origin: germline.
Comment: This variant has been observed to segregate with clinical features of MAF-related cataracts in a family (Invitae). For these reasons, this variant has been classified as Pathogenic. This variant disrupts the p.Arg294 amino acid residue in MAF. Other variant(s) that disrupt this residue have been observed in individuals with MAF-related conditions (PMID:24968223, 26694549, Invitae), suggesting that it is a clinically significant residue. As a result, variants that disrupt this residue are likely to be causative of disease. This variant is not present in population databases (ExAC no frequency). This sequence change results in a premature translational stop signal in the MAF gene (p.Leu101Argfs*63). While this is not anticipated to result in nonsense mediated decay, it is expected to disrupt the last 305 amino acids of the MAF protein.

Literature cited by the submitters: PubMed 24968223; PubMed 26694549.